The following is an entry in ClinVar:

ClinVar aggregate classification (germline): Likely benign (1 of 4 stars; one submission).

Conditions:
Aneurysm-osteoarthritis syndrome. Also called: SMAD3-Related Loeys-Dietz Syndrome; ANEURYSMS-OSTEOARTHRITIS SYNDROME; Loeys-Dietz syndrome, type 1C; LOEYS-DIETZ SYNDROME WITH OSTEOARTHRITIS. Identifiers: Orphanet 284984, MedGen C3151087, MONDO:0013426, OMIM 613795.

Submission:

All of Us Research Program, National Institutes of Health
Classification: Likely benign for Aneurysm-osteoarthritis syndrome. Last evaluated: 2023-08-15. Review status: criteria provided, single submitter. Criteria: ACMG Guidelines, 2015. Collection method: clinical testing. Allele origin: germline. Inheritance: Autosomal dominant inheritance. Observed: 1 variant allele, 1 heterozygote.
Comment: This study involves interpretation of variants in research participants for the purpose of population health screening. Participant phenotype was not available at the time of variant classification. Additional details can be found in publication PMID: 35346344, PMCID: PMC8962531

NM_005902.4(SMAD3):c.1155-13C>T

Gene: SMAD3 (SMAD family member 3; plus strand). Cytogenetic location: 15q22.33.
Variant type: single nucleotide variant.
Coding change: c.1155-13C>T on transcript NM_005902.4 (MANE Select); 13 bases into the intron before coding-DNA position 1155, C replaced by T.
Molecular consequence: intron variant.
Genome position (GRCh38, 1-based): chr15:67,190,400, C>T. VCF-style: chr15-67190400-C-T. GRCh37 (hg19) VCF-style: chr15-67482738-C-T.
Other names: c.1266-13C>T (NM_001407011.1); c.1017-13C>T (NM_001407013.1); c.1023-13C>T (NM_001407012.1, NM_001145103.2); c.1008-13C>T (NM_001407014.1); c.840-13C>T (NM_001145102.2, NM_001407016.1); c.708-13C>T (NM_001407015.1); c.570-13C>T (NM_001145104.2, NM_001407017.1).
Identifiers: ClinVar variation 3072657 (VCV003072657.1), dbSNP rs1392887512, ClinGen allele CA2825002300.